The following is an entry in ClinVar:

ClinVar aggregate classification (germline): Pathogenic. Review status: criteria provided, multiple submitters, no conflicts (2 of 4 stars). 3 submissions from 3 submitters: Pathogenic (3). Last evaluated 2024-03-16.

Conditions:
Hereditary cancer-predisposing syndrome. Also called: Hereditary Cancer Syndrome; Tumor predisposition; Neoplastic Syndromes, Hereditary; Hereditary neoplastic syndrome. Identifiers: Orphanet 140162, MedGen C0027672, MeSH D009386, MONDO:0015356.
Familial cancer of breast. Also called: hereditary breast carcinoma; BREAST CANCER, FAMILIAL; Hereditary breast cancer. Identifiers: Orphanet 227535, MedGen C0346153, MONDO:0016419, OMIM 114480. Disease mechanism: loss of function.
Ataxia-telangiectasia syndrome (AT). Also called: ATAXIA-TELANGIECTASIA, COMPLEMENTATION GROUP A; ATAXIA-TELANGIECTASIA, FRESNO VARIANT; Ataxia-telangiectasia; Ataxia-telangiectasia, complementation group E; Cerebello-oculocutaneous telangiectasia; Immunodeficiency with ataxia telangiectasia. Identifiers: Orphanet 100, MedGen C0004135, MONDO:0008840, OMIM 208900.

Submissions (3):

Labcorp Genetics (formerly Invitae), Labcorp
Classification: Pathogenic for Ataxia-telangiectasia syndrome. Last evaluated: 2024-03-16. Review status: criteria provided, single submitter. Criteria: Invitae Variant Classification Sherloc (09022015). Collection method: clinical testing. Allele origin: germline.
Comment: This sequence change creates a premature translational stop signal (p.Lys2789Asnfs*2) in the ATM gene. It is expected to result in an absent or disrupted protein product. Loss-of-function variants in ATM are known to be pathogenic (PMID: 23807571, 25614872). This variant is not present in population databases (gnomAD no frequency). This variant has not been reported in the literature in individuals affected with ATM-related conditions. Algorithms developed to predict the effect of sequence changes on RNA splicing suggest that this variant may disrupt the consensus splice site. For these reasons, this variant has been classified as Pathogenic.

Myriad Genetics, Inc.
Classification: Pathogenic for Familial cancer of breast. Last evaluated: 2024-02-01. Review status: criteria provided, single submitter. Criteria: Myriad Autosomal Dominant, Autosomal Recessive and X-Linked Classification Criteria (2023). Collection method: clinical testing. Allele origin: unknown.
Comment: This variant is considered pathogenic. This variant creates a frameshift predicted to result in premature protein truncation.

Ambry Genetics
Classification: Pathogenic for Hereditary cancer-predisposing syndrome. Last evaluated: 2023-10-20. Review status: criteria provided, single submitter. Criteria: Ambry Variant Classification Scheme 2023. Collection method: clinical testing. Allele origin: germline.
Comment: The c.8367delAinsTT pathogenic mutation, located in coding exon 56 of the ATM gene, results from the deletion of one nucleotide and insertion of two nucleotides causing a translational frameshift with a predicted alternate stop codon (p.K2789Nfs*2). This variant is considered to be rare based on population cohorts in the Genome Aggregation Database (gnomAD). This alteration is expected to result in loss of function by premature protein truncation or nonsense-mediated mRNA decay. As such, this alteration is interpreted as a disease-causing mutation.

Literature cited by the submitters: PubMed 23807571 (cited by Labcorp Genetics (formerly Invitae), Labcorp); PubMed 25614872 (cited by Labcorp Genetics (formerly Invitae), Labcorp).

NM_000051.4(ATM):c.8367delinsTT (p.Lys2789fs)

Genes: ATM (ATM serine/threonine kinase; plus strand), C11orf65 (chromosome 11 open reading frame 65; minus strand). Cytogenetic location: 11q22.3.
Variant type: Indel.
Coding change: c.8367delinsTT on transcript NM_000051.4 (MANE Select); coding-DNA position 8367, A replaced by TT.
Protein change: p.Lys2789fs; shifts the reading frame from lysine 2789.
Molecular consequence: frameshift variant. On other transcripts: intron variant (2).
Genome position (GRCh38, 1-based): chr11:108,343,320, A replaced by TT. VCF-style: chr11-108343320-A-TT. GRCh37 (hg19) VCF-style: chr11-108214047-A-TT.
Other names: c.8367delinsTT, p.Lys2789fs (NM_001351834.2); c.641-34249delinsAA (NM_001330368.2); c.695-8028delinsAA (NM_001351110.2); short protein forms K2789fs.
Identifiers: ClinVar variation 185742 (VCV000185742.12), dbSNP rs786202418, ClinGen allele CA192805.